The following is an entry in ClinVar:

NM_000388.4(CASR):c.2378A>T (p.Lys793Met)

Gene: CASR (calcium sensing receptor; plus strand). Cytogenetic location: 3q21.1.
Variant type: single nucleotide variant.
Coding change: c.2378A>T on transcript NM_000388.4 (MANE Select); coding-DNA position 2378, A replaced by T.
Protein change: p.Lys793Met; replaces lysine 793 with methionine.
Molecular consequence: missense variant.
Genome position (GRCh38, 1-based): chr3:122,284,332, A>T. VCF-style: chr3-122284332-A-T. GRCh37 (hg19) VCF-style: chr3-122003179-A-T.
Other names: c.2408A>T, p.Lys803Met (NM_001178065.2); short protein forms K793M, K803M.
Identifiers: ClinVar variation 1961979 (VCV001961979.9), dbSNP rs2473279800, ClinGen allele CA354159667.

ClinVar aggregate classification (germline): Uncertain significance. Review status: criteria provided, multiple submitters, no conflicts (2 of 4 stars). 2 submissions from 2 submitters: Uncertain significance (2). Last evaluated 2026-01-01.

Conditions:
Familial hypocalciuric hypercalcemia (FHH). Also called: Familial benign hypercalcemia. Identifiers: Orphanet 405, MedGen C1809471, MONDO:0018458.
Autosomal dominant hypocalcemia 1 (HYPOC1). Also called: HYPOCALCEMIA, FAMILIAL. Identifiers: MedGen C3715128, MONDO:0011013, OMIM 601198.

Submissions (2):

CeGaT Center for Human Genetics Tuebingen
Classification: Uncertain significance. Last evaluated: 2026-01-01. Review status: criteria provided, single submitter. Criteria: CeGaT Center For Human Genetics Tuebingen Variant Classification Criteria Version 2. Collection method: clinical testing. Allele origin: germline. Affected: yes. Observed: 1 variant allele.
Comment: CASR: PM2, PP2

Labcorp Genetics (formerly Invitae), Labcorp
Classification: Uncertain significance for Familial hypocalciuric hypercalcemia; Autosomal dominant hypocalcemia 1. Last evaluated: 2023-02-18. Review status: criteria provided, single submitter. Criteria: Invitae Variant Classification Sherloc (09022015). Collection method: clinical testing. Allele origin: germline.
Comment: This sequence change replaces lysine, which is basic and polar, with methionine, which is neutral and non-polar, at codon 793 of the CASR protein (p.Lys793Met). This variant is not present in population databases (gnomAD no frequency). This variant has not been reported in the literature in individuals affected with CASR-related conditions. An algorithm developed to predict the effect of missense changes on protein structure and function (PolyPhen-2) suggests that this variant is likely to be disruptive. In summary, the available evidence is currently insufficient to determine the role of this variant in disease. Therefore, it has been classified as a Variant of Uncertain Significance.